The following is an entry in ClinVar:

NM_020708.5(SLC12A5):c.1570-3C>G

Gene: SLC12A5 (solute carrier family 12 member 5; plus strand). Cytogenetic location: 20q13.12.
Variant type: single nucleotide variant.
Coding change: c.1570-3C>G on transcript NM_020708.5 (MANE Select); 3 bases into the intron before coding-DNA position 1570, C replaced by G.
Molecular consequence: intron variant.
Genome position (GRCh38, 1-based): chr20:46,045,875, C>G. VCF-style: chr20-46045875-C-G. GRCh37 (hg19) VCF-style: chr20-44674514-C-G.
Other names: c.1639-3C>G (NM_001134771.2).
Identifiers: ClinVar variation 941338 (VCV000941338.11), dbSNP rs1371403151, ClinGen allele CA744862354.
Genomic context (GRCh38, chr20:46,045,875, plus strand): 5'-GCTAGGGGAGAGGGCTGAGAAATCCTTGAGGTCTCAGTCCCATGATGATTGCTCTTTCCC[C>G]AGGTCTTTGGCCATGGCAAGGCCAATGGAGAGCCGACCTGGGCCCTGCTCCTGACTGCCT-3'

ClinVar aggregate classification (germline): Uncertain significance. Review status: criteria provided, multiple submitters, no conflicts (2 of 4 stars). 2 submissions from 2 submitters: Uncertain significance (2). Last evaluated 2024-07-18.

Conditions:
Developmental and epileptic encephalopathy, 34 (DEE34). Also called: SLC12A5-Related Epilepsy of Infancy with Migrating Focal Seizures; Early infantile epileptic encephalopathy 34. Identifiers: Orphanet 293181, MedGen C4225257, MONDO:0014718, OMIM 616645.

Allele frequency attached by ClinVar (database versions not stated): TOPMed below 0.00001; gnomAD 0.00001.
gnomAD v4.1: 1 of 1,613,412 alleles (0.000062%); highest among the groups gnomAD compares: Non-Finnish European, 0.000085%; no homozygotes.

Submissions (2):

Blueprint Genetics
Classification: Uncertain significance. Last evaluated: 2024-07-18. Review status: criteria provided, single submitter. Criteria: ACMG Guidelines, 2015. Collection method: clinical testing. Allele origin: germline.

Labcorp Genetics (formerly Invitae), Labcorp
Classification: Uncertain significance for Developmental and epileptic encephalopathy, 34. Last evaluated: 2019-06-09. Review status: criteria provided, single submitter. Criteria: Invitae Variant Classification Sherloc (09022015). Collection method: clinical testing. Allele origin: germline.
Comment: In summary, the available evidence is currently insufficient to determine the role of this variant in disease. Therefore, it has been classified as a Variant of Uncertain Significance. This sequence change falls in intron 12 of the SLC12A5 gene. It does not directly change the encoded amino acid sequence of the SLC12A5 protein, but it affects a nucleotide within the consensus splice site of the intron. This variant is not present in population databases (ExAC no frequency). This variant has not been reported in the literature in individuals with SLC12A5-related conditions. Nucleotide substitutions within the consensus splice site are a relatively common cause of aberrant splicing (PMID: 17576681, 9536098). Algorithms developed to predict the effect of sequence changes on RNA splicing suggest that this variant may disrupt the consensus splice site, but this prediction has not been confirmed by published transcriptional studies.

Literature cited by the submitters: PubMed 17576681 (cited by Labcorp Genetics (formerly Invitae), Labcorp); PubMed 9536098 (cited by Labcorp Genetics (formerly Invitae), Labcorp).